The following is an entry in ClinVar:

ClinVar aggregate classification (germline): Pathogenic/Likely pathogenic. Review status: criteria provided, multiple submitters, no conflicts (2 of 4 stars). 5 submissions from 5 submitters: Pathogenic (2); Likely pathogenic (2). 1 of the submissions does not count toward it. Last evaluated 2025-11-12.

Conditions:
Cardiovascular phenotype. Identifiers: MedGen CN230736.
KCNH2-related disorder. Also called: KCNH2-related disorders; KCNH2-related condition.
Familial long QT syndrome (RWS). Also called: Congenital long QT syndrome; Romano-Ward syndrome; VENTRICULAR FIBRILLATION WITH PROLONGED QT INTERVAL. Identifiers: Orphanet 768, MedGen C1141890, MONDO:0019171.
Long QT syndrome (LQTS). Identifiers: MedGen C0023976, MeSH D008133, MONDO:0002442. Disease mechanism: loss of function. Inheritance: Various modes of inheritance.

Submissions (5):

GeneDx
Classification: Likely pathogenic. Last evaluated: 2025-11-12. Review status: criteria provided, single submitter. Criteria: GeneDx Variant Classification Process June 2021. Collection method: clinical testing. Allele origin: germline. Affected: yes.
Comment: Not observed at significant frequency in large population cohorts (gnomAD); Published functional studies suggest a damaging effect where p.(D501N) resulted in a 50% reduction in protein trafficking (PMID: 25254353); In silico analysis supports that this missense variant has a deleterious effect on protein structure/function; This variant is associated with the following publications: (PMID: 25820318, 12402336, 18441445, 19716085, 19352046, 17088455, 26669661, 20486126, 21185501, 29358271, 14998624, 25254353, 25576780, 32383558, 34546463, 30530868, 31737537, 32494459, 36303204, 28794082, 38219013, 36861347, 37324772, 35989994)

Ambry Genetics
Classification: Likely pathogenic for Cardiovascular phenotype. Last evaluated: 2024-10-29. Review status: criteria provided, single submitter. Criteria: Ambry Variant Classification Scheme 2023. Collection method: clinical testing. Allele origin: germline.
Comment: The p.D501N variant (also known as c.1501G>A), located in coding exon 6 of the KCNH2 gene, results from a G to A substitution at nucleotide position 1501. The aspartic acid at codon 501 is replaced by asparagine, an amino acid with highly similar properties. This variant was reported in multiple individuals with features consistent with long QT syndrome (Jongbloed R et al. Hum Mutat, 2002 Nov;20:382-91; Lupoglazoff JM et al. J Am Coll Cardiol, 2004 Mar;43:826-30; Tan HL et al. Circulation, 2006 Nov;114:2096-103; Nagaoka I et al. Circ J, 2008 May;72:694-9; Kapplinger JD et al. Heart Rhythm, 2009 Sep;6:1297-303; Ogawa K et al. Circ. J., 2009 Nov;73:2169-72; Sadrieh A et al. Nat Commun, 2014 Sep;5:5069; Pundi KN et al. Heart Rhythm, 2015 Apr;12:776-81; Roberts JD et al. Circ Arrhythm Electrophysiol, 2017 Aug;10:[ePub ahead of print]; Kwok SY et al. Hong Kong Med J, 2018 Dec;24:561-570; Westphal DS et al. Mol Genet Genomic Med, 2020 Sep;8:e1300). In multiple assays testing KCNH2 function, this variant showed functionally abnormal results (Sadrieh A et al. Nat Commun, 2014 Sep;5:5069; Thomson KL et al. HGG Adv, 2024 Apr;5:100270). This amino acid position is highly conserved in available vertebrate species. In addition, this alteration is predicted to be deleterious by in silico analysis. This variant is considered to be rare based on population cohorts in the Genome Aggregation Database (gnomAD). Based on the majority of available evidence to date, this variant is likely to be pathogenic.

Labcorp Genetics (formerly Invitae), Labcorp
Classification: Pathogenic for Long QT syndrome. Last evaluated: 2024-05-31. Review status: criteria provided, single submitter. Criteria: Invitae Variant Classification Sherloc (09022015). Collection method: clinical testing. Allele origin: germline.
Comment: This sequence change replaces aspartic acid, which is acidic and polar, with asparagine, which is neutral and polar, at codon 501 of the KCNH2 protein (p.Asp501Asn). This variant is not present in population databases (gnomAD no frequency). This missense change has been observed in individuals with long QT syndrome (PMID: 12402336, 14998624, 17088455, 25254353). ClinVar contains an entry for this variant (Variation ID: 67208). An algorithm developed to predict the effect of missense changes on protein structure and function (PolyPhen-2) suggests that this variant is likely to be disruptive. Experimental studies have shown that this missense change affects KCNH2 function (PMID: 25254353). This variant disrupts the p.Asp501 amino acid residue in KCNH2. Other variant(s) that disrupt this residue have been determined to be pathogenic (PMID: 16414944, 19926013). This suggests that this residue is clinically significant, and that variants that disrupt this residue are likely to be disease-causing. For these reasons, this variant has been classified as Pathogenic.

Blueprint Genetics
Classification: Pathogenic for KCNH2-related disorders. Last evaluated: 2022-03-15. Review status: criteria provided, single submitter. Criteria: ACMG Guidelines, 2015. Collection method: clinical testing. Allele origin: germline. Affected: yes. Observed: 3 variant alleles.

Cardiovascular Biomedical Research Unit, Royal Brompton & Harefield NHS Foundation Trust
No classification provided. Condition: Familial long QT syndrome. Review status: no classification provided. Collection method: literature only. Allele origin: germline. Not counted in ClinVar's aggregate classification.
Comment: This variant has been reported as associated with Long QT syndrome in the following publications (PMID:12402336;PMID:14998624;PMID:18441445;PMID:19716085). This is a literature report, and does not necessarily reflect the clinical interpretation of the Imperial College / Royal Brompton Cardiovascular Genetics laboratory.

Literature cited by the submitters: PubMed 12402336 (cited by 3 submitters); PubMed 14998624 (cited by 3 submitters); PubMed 17088455 (cited by Ambry Genetics and Labcorp Genetics (formerly Invitae), Labcorp); PubMed 18441445 (cited by Ambry Genetics and Cardiovascular Biomedical Research Unit, Royal Brompton & Harefield NHS Foundation Trust); PubMed 19352046 (cited by Ambry Genetics); PubMed 19716085 (cited by Ambry Genetics and Cardiovascular Biomedical Research Unit, Royal Brompton & Harefield NHS Foundation Trust); PubMed 25254353 (cited by Ambry Genetics and Labcorp Genetics (formerly Invitae), Labcorp); PubMed 25576780 (cited by Ambry Genetics); PubMed 28794082 (cited by Ambry Genetics); PubMed 30530868 (cited by Ambry Genetics); PubMed 32383558 (cited by Ambry Genetics); PubMed 38219013 (cited by Ambry Genetics); PubMed 16414944 (cited by Labcorp Genetics (formerly Invitae), Labcorp); PubMed 19926013 (cited by Labcorp Genetics (formerly Invitae), Labcorp); PubMed 22581653 (cited by Cardiovascular Biomedical Research Unit, Royal Brompton & Harefield NHS Foundation Trust).

NM_000238.4(KCNH2):c.1501G>A (p.Asp501Asn)

Gene: KCNH2 (potassium voltage-gated channel subfamily H member 2; minus strand). Cytogenetic location: 7q36.1.
Variant type: single nucleotide variant.
Coding change: c.1501G>A on transcript NM_000238.4 (MANE Select); coding-DNA position 1501, G replaced by A.
Protein change: p.Asp501Asn; replaces aspartic acid 501 with asparagine.
Molecular consequence: missense variant.
Genome position (GRCh38, 1-based): chr7:150,952,481, C>T on the plus strand (G>A on the coding strand, the complement: KCNH2 is on the minus strand). VCF-style: chr7-150952481-C-T. GRCh37 (hg19) VCF-style: chr7-150649569-C-T.
Other names: p.D501N:GAC>AAC; c.1501G>A (LRG_288t1); c.481G>A, p.Asp161Asn (NM_001204798.2, NM_172057.3); c.1213G>A, p.Asp405Asn (NM_001406753.1, NM_001406756.1); c.1324G>A, p.Asp442Asn (NM_001406755.1); c.1201G>A, p.Asp401Asn (NM_001406757.1); c.1501G>A, p.Asp501Asn (NM_172056.3); short protein forms D161N, D501N, D405N, D442N, D401N.
Identifiers: ClinVar variation 67208 (VCV000067208.32), dbSNP rs199472912, ClinGen allele CA004728.